The following is an entry in ClinVar:

NM_001127222.2(CACNA1A):c.4755+1G>T

Gene: CACNA1A (calcium voltage-gated channel subunit alpha1 A; minus strand). Cytogenetic location: 19p13.13.
Variant type: single nucleotide variant.
Coding change: c.4755+1G>T on transcript NM_001127222.2 (MANE Select); the canonical splice donor site of the intron after coding-DNA position 4755, G replaced by T.
Molecular consequence: splice donor variant.
Genome position (GRCh38, 1-based): chr19:13,255,094, C>A on the plus strand (G>T on the coding strand, the complement: CACNA1A is on the minus strand). VCF-style: chr19-13255094-C-A. GRCh37 (hg19) VCF-style: chr19-13365908-C-A.
Other names: c.4758+1G>T (NM_001127221.2, NM_001174080.2); c.4767+1G>T (NM_000068.4, NM_023035.3).
Identifiers: ClinVar variation 4282419 (VCV004282419.1).

ClinVar aggregate classification (germline): Pathogenic (1 of 4 stars; one submission).

Submission:

GeneDx
Classification: Pathogenic. Last evaluated: 2025-04-11. Review status: criteria provided, single submitter. Criteria: GeneDx Variant Classification Process June 2021. Collection method: clinical testing. Allele origin: germline. Affected: yes.
Comment: Canonical splice site variant expected to result in aberrant splicing, although in the absence of functional evidence the actual effect of this sequence change is unknown.; Not observed at significant frequency in large population cohorts (gnomAD); This variant is associated with the following publications: (PMID: 35600082)